The following is an entry in ClinVar:

ClinVar aggregate classification (germline): Uncertain significance. Review status: criteria provided, multiple submitters, no conflicts (2 of 4 stars). 7 submissions from 7 submitters: Uncertain significance (6). 1 of the submissions does not count toward it. Last evaluated 2025-11-05.

Conditions:
Spermatogenic failure 28. Identifiers: MedGen C4748117, MONDO:0054732, OMIM 618086.
Premature ovarian failure 15. Identifiers: MedGen C4748170, MONDO:0054862, OMIM 618096.
Hereditary cancer-predisposing syndrome. Also called: Neoplastic Syndromes, Hereditary; Tumor predisposition; Hereditary neoplastic syndrome; Hereditary Cancer Syndrome. Identifiers: Orphanet 140162, MedGen C0027672, MeSH D009386, MONDO:0015356.
Fanconi anemia (FA). Also called: Fanconi's anemia. Identifiers: Orphanet 84, MedGen C0015625, MeSH D005199, MONDO:0019391.
FANCM-related disorder. Also called: FANCM-related condition.
Inborn genetic diseases. Identifiers: MedGen C0950123, MeSH D030342.

Allele frequency attached by ClinVar (database versions not stated): gnomAD exomes 0.00005 and 0.00012; ExAC 0.00019; 1000 Genomes Project 30x 0.00047; gnomAD 0.00052 and 0.00053; 1000 Genomes Project 0.00060; TOPMed 0.00062; ESP Exome Variant Server 0.00085.
gnomAD v4.1: 159 of 1,613,882 alleles (0.0099%); highest among the groups gnomAD compares: African/African-American, 0.18%; 1 homozygote.

Submissions (7):

Labcorp Genetics (formerly Invitae), Labcorp
Classification: Uncertain significance for Fanconi anemia. Last evaluated: 2025-11-05. Review status: criteria provided, single submitter. Criteria: Invitae Variant Classification Sherloc (09022015). Collection method: clinical testing. Allele origin: germline.
Comment: This sequence change replaces glutamic acid, which is acidic and polar, with glycine, which is neutral and non-polar, at codon 766 of the FANCM protein (p.Glu766Gly). This variant is present in population databases (rs139946652, gnomAD 0.2%). This variant has not been reported in the literature in individuals affected with FANCM-related conditions. ClinVar contains an entry for this variant (Variation ID: 578844). An algorithm developed to predict the effect of missense changes on protein structure and function (PolyPhen-2) suggests that this variant is likely to be disruptive. In summary, the available evidence is currently insufficient to determine the role of this variant in disease. Therefore, it has been classified as a Variant of Uncertain Significance.

GeneDx
Classification: Uncertain significance. Last evaluated: 2025-03-14. Review status: criteria provided, single submitter. Criteria: GeneDx Variant Classification Process June 2021. Collection method: clinical testing. Allele origin: germline. Affected: yes.
Comment: In silico analysis supports that this missense variant has a deleterious effect on protein structure/function; Has not been previously published as pathogenic or benign to our knowledge

Ambry Genetics
Classification: Uncertain significance for Inborn genetic diseases. Last evaluated: 2024-10-02. Review status: criteria provided, single submitter. Criteria: Ambry Variant Classification Scheme 2023. Collection method: clinical testing. Allele origin: germline.
Comment: The p.E766G variant (also known as c.2297A>G), located in coding exon 13 of the FANCM gene, results from an A to G substitution at nucleotide position 2297. The glutamic acid at codon 766 is replaced by glycine, an amino acid with similar properties. This amino acid position is conserved. In addition, this alteration is predicted to be tolerated by in silico analysis. Based on the available evidence, the clinical significance of this variant remains unclear.

Quest Diagnostics Nichols Institute San Juan Capistrano
Classification: Uncertain significance. Last evaluated: 2024-01-29. Review status: criteria provided, single submitter. Criteria: Quest Diagnostics criteria. Collection method: clinical testing. Allele origin: unknown.
Comment: The FANCM c.2297A>G (p.Glu766Gly) variant has not been reported in individuals with FANCM-related conditions in the published literature. The frequency of this variant in the general population, 0.0016 (40/24968 chromosomes in African/African American subpopulation (Genome Aggregation Database)), is higher than would generally be expected for pathogenic variants in this gene. Analysis of this variant using bioinformatics tools for the prediction of the effect of amino acid changes on protein structure and function yielded predictions that this variant is damaging. Based on the available information, we are unable to determine the clinical significance of this variant.

Fulgent Genetics
Classification: Uncertain significance for Spermatogenic failure 28; Premature ovarian failure 15. Last evaluated: 2022-05-13. Review status: criteria provided, single submitter. Criteria: ACMG Guidelines, 2015. Collection method: clinical testing. Allele origin: unknown.

Sema4
Classification: Uncertain significance for Hereditary cancer-predisposing syndrome. Last evaluated: 2021-09-03. Review status: criteria provided, single submitter. Criteria: Sema4 Curation Guidelines. Collection method: curation. Allele origin: germline.
Comment: The FANCM c.2297A>G (p.E766G) variant has not been reported in the literature to our knowledge. It was observed in 40/24968 chromosomes of the African/African American subpopulation, with no homozygotes, in the large and broad cohorts of the Genome Aggregation Database (PMID: 32461654). The variant has been reported in ClinVar (Variation ID 578844). Functional studies have not been performed, and in silico predictions of the variant's effect on protein function are inconclusive. The evidence is insufficient to meet ACMG/AMP criteria for classifying the variant as benign or pathogenic. Thus, the clinical significance of this variant is currently uncertain.

PreventionGenetics, part of Exact Sciences
Classification: Likely benign for FANCM-related condition. Last evaluated: 2024-03-18. Review status: no assertion criteria provided. Collection method: clinical testing. Allele origin: germline. Not counted in ClinVar's aggregate classification.
Comment: This variant is classified as likely benign based on ACMG/AMP sequence variant interpretation guidelines (Richards et al. 2015 PMID: 25741868, with internal and published modifications).

NM_020937.4(FANCM):c.2297A>G (p.Glu766Gly)

Gene: FANCM (FA complementation group M; plus strand). Cytogenetic location: 14q21.2.
Variant type: single nucleotide variant.
Coding change: c.2297A>G on transcript NM_020937.4 (MANE Select); coding-DNA position 2297, A replaced by G.
Protein change: p.Glu766Gly; replaces glutamic acid 766 with glycine.
Molecular consequence: missense variant.
Genome position (GRCh38, 1-based): chr14:45,173,191, A>G. VCF-style: chr14-45173191-A-G. GRCh37 (hg19) VCF-style: chr14-45642394-A-G.
Other names: c.2297A>G (LRG_502t1); c.2219A>G, p.Glu740Gly (NM_001308133.2); short protein forms E766G, E740G.
Identifiers: ClinVar variation 578844 (VCV000578844.23), dbSNP rs139946652, ClinGen allele CA7169312.
Genomic context (GRCh38, chr14:45,173,191, plus strand): 5'-CACATCAAGTTGATCACTCAGATCGATGCCGCCATTTTATAGGCCTTATGCAAATGATAG[A>G]GGGAATGAGACACGAAGAGGTGGGGTTTTATTGTAACTTTCTCTTGCTGGTATGATAGTA-3'
Protein context (NP_065988.1, residues 756-776): RHFIGLMQMI[Glu766Gly]GMRHEEGECS